The following is an entry in ClinVar:

NM_017934.7(PHIP):c.3122+3_3122+4del

Genes: IRAK1BP1 (interleukin 1 receptor associated kinase 1 binding protein 1; plus strand), PHIP (PHIP subunit of CUL4-Ring ligase complex; minus strand). Cytogenetic location: 6q14.1.
Variant type: Deletion.
Coding change: c.3122+3_3122+4del on transcript NM_017934.7 (MANE Select); bases 3 to 4 of the intron after coding-DNA position 3122, 2 bases deleted (AA; older notation c.3122+3_3122+4delAA).
Molecular consequence: intron variant.
Genome position (GRCh38, 1-based): chr6:78,970,045-78,970,046, TT deleted on the plus strand (AA on the coding strand, the reverse complement: PHIP is on the minus strand). VCF-style (leftmost placement, unchanged base first): chr6-78970044-CTT-C. GRCh37 (hg19) VCF-style: chr6-79679761-CTT-C.
Identifiers: ClinVar variation 4886300 (VCV004886300.2).
Genomic context (GRCh38, chr6:78,970,044, plus strand): 5'-TATCTGAATCTTGAAAAACAATCTACAATACTAAGAAAACCATTGCCTCTTTCAACAGTC[CTT>C]ACTTCATGGTAAATGATCCGCCAGTCAGTTTACCAGTATCAGGATCTAGAAAAGCAAGTT-3'

ClinVar aggregate classification (germline): Uncertain significance (1 of 4 stars; one submission).

Submission:

Dasa
Classification: Uncertain significance. Last evaluated: 2026-04-23. Review status: criteria provided, single submitter. Criteria: DASA Assertion Criteria. Collection method: clinical testing. Allele origin: germline.
Comment: NM_017934.7(PHIP):c.3122+3_3122+4del is a splice-region variant. This variant is rare in population databases. Computational prediction algorithms are consistent with a deleterious effect. The currently available literature and clinical evidence are not sufficient to establish a definitive association between this variant and the reported condition. Therefore, this variant is classified as a variant of uncertain significance.